The following is an entry in ClinVar:

NM_170606.3(KMT2C):c.11604G>T (p.Arg3868Ser)

Gene: KMT2C (lysine methyltransferase 2C; minus strand). Cytogenetic location: 7q36.1.
Variant type: single nucleotide variant.
Coding change: c.11604G>T on transcript NM_170606.3 (MANE Select); coding-DNA position 11604, G replaced by T.
Protein change: p.Arg3868Ser; replaces arginine 3868 with serine.
Molecular consequence: missense variant.
Genome position (GRCh38, 1-based): chr7:152,158,929, C>A on the plus strand (G>T on the coding strand, the complement: KMT2C is on the minus strand). VCF-style: chr7-152158929-C-A. GRCh37 (hg19) VCF-style: chr7-151856014-C-A.
Other names: short protein forms R3868S.
Identifiers: ClinVar variation 2573702 (VCV002573702.1), dbSNP rs2129101475, ClinGen allele CA370099822.

ClinVar aggregate classification (germline): Uncertain significance (1 of 4 stars; one submission).

Allele frequency attached by ClinVar (database versions not stated): gnomAD exomes below 0.00001.
gnomAD v4.1: 1 of 1,614,166 alleles (0.000062%); highest among the groups gnomAD compares: Non-Finnish European, 0.000085%; no homozygotes.

Submission:

GeneDx
Classification: Uncertain significance. Last evaluated: 2023-01-18. Review status: criteria provided, single submitter. Criteria: GeneDx Variant Classification Process June 2021. Collection method: clinical testing. Allele origin: germline. Affected: yes.
Comment: Not observed at significant frequency in large population cohorts (gnomAD); In silico analysis supports that this missense variant has a deleterious effect on protein structure/function; Has not been previously published as pathogenic or benign to our knowledge